The following is an entry in ClinVar:

NM_194248.3(OTOF):c.5074C>T (p.Leu1692Phe)

Genes: OTOF (otoferlin; minus strand), LOC112840921 (BRD4-independent group 4 enhancer GRCh37_chr2:26685720-26686919; plus strand). Cytogenetic location: 2p23.3.
Variant type: single nucleotide variant.
Coding change: c.5074C>T on transcript NM_194248.3 (MANE Select); coding-DNA position 5074, C replaced by T.
Protein change: p.Leu1692Phe; replaces leucine 1692 with phenylalanine.
Molecular consequence: missense variant.
Genome position (GRCh38, 1-based): chr2:26,463,993, G>A on the plus strand (C>T on the coding strand, the complement: OTOF is on the minus strand). VCF-style: chr2-26463993-G-A. GRCh37 (hg19) VCF-style: chr2-26686861-G-A.
Other names: c.5074C>T, p.Leu1692Phe (NM_001287489.2); c.2773C>T, p.Leu925Phe (NM_004802.4, NM_194323.3); c.3004C>T, p.Leu1002Phe (NM_194322.3); short protein forms L925F, L1002F, L1692F.
Identifiers: ClinVar variation 1954839 (VCV001954839.5), dbSNP rs1426310468, ClinGen allele CA346133824.

ClinVar aggregate classification (germline): Uncertain significance (1 of 4 stars; one submission).

Allele frequency attached by ClinVar (database versions not stated): TOPMed below 0.00001; gnomAD 0.00001.
gnomAD v4.1: 1 of 1,613,694 alleles (0.000062%); highest among the groups gnomAD compares: East Asian, 0.0022%; no homozygotes.

Submission:

Labcorp Genetics (formerly Invitae), Labcorp
Classification: Uncertain significance. Last evaluated: 2023-06-19. Review status: criteria provided, single submitter. Criteria: Invitae Variant Classification Sherloc (09022015). Collection method: clinical testing. Allele origin: germline.
Comment: This sequence change replaces leucine, which is neutral and non-polar, with phenylalanine, which is neutral and non-polar, at codon 1692 of the OTOF protein (p.Leu1692Phe). This variant is not present in population databases (gnomAD no frequency). This variant has not been reported in the literature in individuals affected with OTOF-related conditions. ClinVar contains an entry for this variant (Variation ID: 1954839). Advanced modeling of protein sequence and biophysical properties (such as structural, functional, and spatial information, amino acid conservation, physicochemical variation, residue mobility, and thermodynamic stability) performed at Invitae indicates that this missense variant is not expected to disrupt OTOF protein function. In summary, the available evidence is currently insufficient to determine the role of this variant in disease. Therefore, it has been classified as a Variant of Uncertain Significance.